The following is an entry in ClinVar:

NM_012330.4(KAT6B):c.3372+3A>C

Gene: KAT6B (lysine acetyltransferase 6B; plus strand). Cytogenetic location: 10q22.2.
Variant type: single nucleotide variant.
Coding change: c.3372+3A>C on transcript NM_012330.4 (MANE Select); 3 bases into the intron after coding-DNA position 3372, A replaced by C.
Molecular consequence: intron variant.
Genome position (GRCh38, 1-based): chr10:75,022,234, A>C. VCF-style: chr10-75022234-A-C. GRCh37 (hg19) VCF-style: chr10-76781992-A-C.
Other names: c.2496+3A>C (NM_001370139.1, NM_001370140.1, NM_001370141.1 and 2 more transcripts); c.3372+3A>C (NM_001370136.1, NM_001370137.1); c.2823+3A>C (NM_001370138.1, NM_001256468.2); c.1683+3A>C (NM_001370133.1); c.1287+3A>C (NM_001370134.1); c.2307+3A>C (NM_001370143.1, NM_001370144.1); c.2334+3A>C (NM_001370132.1); c.1029+3A>C (NM_001370135.1).
Identifiers: ClinVar variation 4705756 (VCV004705756.1).
Genomic context (GRCh38, chr10:75,022,234, plus strand): 5'-TATTCAAAGCTCTCCCCCAAGATTGACGAAACCACAGTCAGTTGCCATAAAGAGAAAGGT[A>C]GGTGTCTGTTTAGATTTTCTGTGAGTCGCGTTCAATCAAATCTTATTTGTCATTGCAGAC-3'

ClinVar aggregate classification (germline): Uncertain significance (1 of 4 stars; one submission).

Conditions:
Genitopatellar syndrome (GTPTS). Also called: ABSENT PATELLAE, SCROTAL HYPOPLASIA, RENAL ANOMALIES, FACIAL DYSMORPHISM, AND MENTAL RETARDATION; Genitopatellar syndrome (GPS). Identifiers: Orphanet 85201, MedGen C1853566, MONDO:0011640, OMIM 606170.

Submission:

Labcorp Genetics (formerly Invitae), Labcorp
Classification: Uncertain significance for Genitopatellar syndrome. Last evaluated: 2025-07-27. Review status: criteria provided, single submitter. Criteria: Invitae Variant Classification Sherloc (09022015). Collection method: clinical testing. Allele origin: germline.
Comment: This sequence change falls in intron 16 of the KAT6B gene. It does not directly change the encoded amino acid sequence of the KAT6B protein. It affects a nucleotide within the consensus splice site. This variant is not present in population databases (gnomAD no frequency). This variant has not been reported in the literature in individuals affected with KAT6B-related conditions. Variants that disrupt the consensus splice site are a relatively common cause of aberrant splicing (PMID: 17576681, 9536098). Algorithms developed to predict the effect of sequence changes on RNA splicing suggest that this variant is not likely to affect RNA splicing. In summary, the available evidence is currently insufficient to determine the role of this variant in disease. Therefore, it has been classified as a Variant of Uncertain Significance.

Literature cited by the submitters: PubMed 17576681; PubMed 9536098.